The following is an entry in ClinVar:

NM_138927.4(SON):c.3380T>C (p.Met1127Thr)

Gene: SON (SON DNA and RNA binding protein; plus strand). Cytogenetic location: 21q22.11.
Variant type: single nucleotide variant.
Coding change: c.3380T>C on transcript NM_138927.4 (MANE Select); coding-DNA position 3380, T replaced by C.
Protein change: p.Met1127Thr; replaces methionine 1127 with threonine.
Molecular consequence: missense variant. On other transcripts: non-coding transcript variant (1), intron variant (1).
Genome position (GRCh38, 1-based): chr21:33,552,611, T>C. VCF-style: chr21-33552611-T-C. GRCh37 (hg19) VCF-style: chr21-34924917-T-C.
Other names: c.3380T>C, p.Met1127Thr (NM_001291411.2, NM_032195.3); c.245-4545T>C (NM_001291412.3); short protein forms M1127T.
Identifiers: ClinVar variation 3730486 (VCV003730486.1).

ClinVar aggregate classification (germline): Uncertain significance (1 of 4 stars; one submission).

Submission:

Labcorp Genetics (formerly Invitae), Labcorp
Classification: Uncertain significance. Last evaluated: 2024-09-10. Review status: criteria provided, single submitter. Criteria: Invitae Variant Classification Sherloc (09022015). Collection method: clinical testing. Allele origin: germline.
Comment: This sequence change replaces methionine, which is neutral and non-polar, with threonine, which is neutral and polar, at codon 1127 of the SON protein (p.Met1127Thr). This variant is not present in population databases (gnomAD no frequency). This variant has not been reported in the literature in individuals affected with SON-related conditions. An algorithm developed to predict the effect of missense changes on protein structure and function (PolyPhen-2) suggests that this variant is likely to be disruptive. In summary, the available evidence is currently insufficient to determine the role of this variant in disease. Therefore, it has been classified as a Variant of Uncertain Significance.